The following is an entry in ClinVar:

NM_024747.6(HPS6):c.1520A>C (p.Asn507Thr)

Gene: HPS6 (HPS6 biogenesis of lysosomal organelles complex 2 subunit 3; plus strand). Cytogenetic location: 10q24.32.
Variant type: single nucleotide variant.
Coding change: c.1520A>C on transcript NM_024747.6 (MANE Select); coding-DNA position 1520, A replaced by C.
Protein change: p.Asn507Thr; replaces asparagine 507 with threonine.
Molecular consequence: missense variant.
Genome position (GRCh38, 1-based): chr10:102,066,994, A>C. VCF-style: chr10-102066994-A-C. GRCh37 (hg19) VCF-style: chr10-103826751-A-C.
Other names: short protein forms N507T.
Identifiers: ClinVar variation 3902431 (VCV003902431.1).
Genomic context (GRCh38, chr10:102,066,994, plus strand): 5'-AGCAGGAAGTGGCACGCCTGCTGAGGACTGAGTTGATAGGAGACCAGCTAGCCCAGCTCA[A>C]CACCGTTTTCCAAGCCCTTCCTACAGCAGCCTGGGGTGCCACCCTCAGGGCCCTGCAGCT-3'
Protein context (NP_079023.2, residues 497-517): ELIGDQLAQL[Asn507Thr]TVFQALPTAA

ClinVar aggregate classification (germline): Uncertain significance (1 of 4 stars; one submission).

gnomAD v4.1: 1 of 1,614,184 alleles (0.000062%); highest among the groups gnomAD compares: South Asian, 0.0011%; no homozygotes.

Submission:

Women's Health and Genetics/Laboratory Corporation of America, LabCorp
Classification: Uncertain significance. Last evaluated: 2025-05-07. Review status: criteria provided, single submitter. Criteria: LabCorp Variant Classification Summary - May 2015. Collection method: clinical testing. Allele origin: germline.
Comment: Variant summary: HPS6 c.1520A>C (p.Asn507Thr) results in a non-conservative amino acid change in the encoded protein sequence. Algorithms developed to predict the effect of missense changes on protein structure and function all suggest that this variant is likely to be disruptive. The variant was absent in 251378 control chromosomes. The available data on variant occurrences in the general population are insufficient to allow any conclusion about variant significance. To our knowledge, no occurrence of c.1520A>C in individuals affected with Hermansky-Pudlak Syndrome and no experimental evidence demonstrating its impact on protein function have been reported. No submitters have cited clinical-significance assessments for this variant to ClinVar. Based on the evidence outlined above, the variant was classified as uncertain significance.